The following is an entry in ClinVar:

ClinVar aggregate classification (germline): Uncertain significance (1 of 4 stars; one submission).

Conditions:
Microcephaly-intellectual disability-sensorineural hearing loss-epilepsy-abnormal muscle tone syndrome (NEDHSB). Also called: NEURODEVELOPMENTAL DISORDER WITH HEARING LOSS, SEIZURES, AND BRAIN ABNORMALITIES. Identifiers: Orphanet 457351, MedGen C4225276, MONDO:0014698, OMIM 616577.

Allele frequency attached by ClinVar (database versions not stated): gnomAD exomes below 0.00001.
gnomAD v4.1: 2 of 1,613,984 alleles (0.00012%); highest among the groups gnomAD compares: Non-Finnish European, 0.00017%; no homozygotes.

Submission:

Labcorp Genetics (formerly Invitae), Labcorp
Classification: Uncertain significance for Microcephaly-intellectual disability-sensorineural hearing loss-epilepsy-abnormal muscle tone syndrome. Last evaluated: 2025-05-05. Review status: criteria provided, single submitter. Criteria: Invitae Variant Classification Sherloc (09022015). Collection method: clinical testing. Allele origin: germline.
Comment: This sequence change replaces phenylalanine, which is neutral and non-polar, with valine, which is neutral and non-polar, at codon 726 of the SPATA5 protein (p.Phe726Val). This variant is not present in population databases (gnomAD no frequency). This variant has not been reported in the literature in individuals affected with SPATA5-related conditions. ClinVar contains an entry for this variant (Variation ID: 1931815). Invitae Evidence Modeling of protein sequence and biophysical properties (such as structural, functional, and spatial information, amino acid conservation, physicochemical variation, residue mobility, and thermodynamic stability) indicates that this missense variant is expected to disrupt SPATA5 protein function with a positive predictive value of 95%. In summary, the available evidence is currently insufficient to determine the role of this variant in disease. Therefore, it has been classified as a Variant of Uncertain Significance.

NM_145207.3(AFG2A):c.2176T>G (p.Phe726Val)

Gene: AFG2A (AAA ATPase AFG2A; plus strand). Cytogenetic location: 4q28.1.
Variant type: single nucleotide variant.
Coding change: c.2176T>G on transcript NM_145207.3 (MANE Select); coding-DNA position 2176, T replaced by G.
Protein change: p.Phe726Val; replaces phenylalanine 726 with valine.
Molecular consequence: missense variant.
Genome position (GRCh38, 1-based): chr4:123,057,251, T>G. VCF-style: chr4-123057251-T-G. GRCh37 (hg19) VCF-style: chr4-123978406-T-G.
Other names: c.2173T>G, p.Phe725Val (NM_001345856.2); short protein forms F725V, F726V.
Identifiers: ClinVar variation 1931815 (VCV001931815.4), dbSNP rs2478372829, ClinGen allele CA358227122.
Genomic context (GRCh38, chr4:123,057,251, plus strand): 5'-TGGCACTCTTTCCACCAGACCTTCCGAAAAGCAAGAGCAGTGGCGCCTTCCATTATTTTC[T>G]TTGATGAACTGGATGCCTTAGCAGTTGAAAGGGGCAGGTAAGAAGTATTTAATAGCACTG-3'
Protein context (NP_660208.2, residues 716-736): ARAVAPSIIF[Phe726Val]DELDALAVER